The following is an entry in ClinVar:

NM_002485.5(NBN):c.930T>A (p.Ile310=)

Gene: NBN (nibrin; minus strand). Cytogenetic location: 8q21.3.
Variant type: single nucleotide variant.
Coding change: c.930T>A on transcript NM_002485.5 (MANE Select); coding-DNA position 930, T replaced by A.
Protein change: p.Ile310=; no amino-acid change (isoleucine 310 retained).
Molecular consequence: synonymous variant.
Genome position (GRCh38, 1-based): chr8:89,964,474, A>T on the plus strand (T>A on the coding strand, the complement: NBN is on the minus strand). VCF-style: chr8-89964474-A-T. GRCh37 (hg19) VCF-style: chr8-90976702-A-T.
Other names: c.684T>A, p.Ile228= (NM_001024688.3).
Identifiers: ClinVar variation 183861 (VCV000183861.27), dbSNP rs142813526, ClinGen allele CA186790.
Genomic context (GRCh38, chr8:89,964,474, plus strand): 5'-ACTGGGATGGCCCTGAGGATCACAGTAATTCTTTGTAGTCATGAAAATCACCGCCAATCC[A>T]ATTTCTGCTTCAGGAATAGGTCTAAGACCTTGCCTATTAGAATAAAATAGTTTAAGTATG-3'
Protein context (NP_002476.2, residues 300-320): QGLRPIPEAE[Ile310=]GLAVIFMTTK

ClinVar aggregate classification (germline): Likely benign. Review status: criteria provided, multiple submitters, no conflicts (2 of 4 stars). 8 submissions from 8 submitters: Likely benign (6). 2 of the submissions do not count toward it. Last evaluated 2026-01-06.

Conditions:
NBN-related disorder. Also called: NBN-related condition.
Hereditary cancer-predisposing syndrome. Also called: Tumor predisposition; Neoplastic Syndromes, Hereditary; Hereditary neoplastic syndrome; Hereditary Cancer Syndrome. Identifiers: Orphanet 140162, MedGen C0027672, MeSH D009386, MONDO:0015356.
Microcephaly, normal intelligence and immunodeficiency (NBS). Also called: SEEMANOVA SYNDROME II; Nijmegen breakage syndrome; Microcephaly with normal intelligence immunodeficiency and lymphoreticular malignancies; Nonsyndromal microcephaly autosomal recessive with normal intelligence; Seemanova syndrome 2; BERLIN BREAKAGE SYNDROME. Identifiers: Orphanet 647, MedGen C0398791, MONDO:0009623, OMIM 251260.
Malignant tumor of breast. Also called: Malignant breast neoplasm; Cancer breast. Identifiers: MedGen C0006142, MONDO:0007254. Disease mechanism: loss of function.

Allele frequency attached by ClinVar (database versions not stated): ExAC 0.00004; gnomAD exomes 0.00004 and 0.00010; gnomAD 0.00005 and 0.00006; TOPMed 0.00006; ESP Exome Variant Server 0.00008.
gnomAD v4.1: 156 of 1,609,660 alleles (0.0097%); highest among the groups gnomAD compares: Non-Finnish European, 0.013%; no homozygotes.

Submissions (8):

Labcorp Genetics (formerly Invitae), Labcorp
Classification: Likely benign for Microcephaly, normal intelligence and immunodeficiency. Last evaluated: 2026-01-06. Review status: criteria provided, single submitter. Criteria: Invitae Variant Classification Sherloc (09022015). Collection method: clinical testing. Allele origin: germline.

Blueprint Genetics
Classification: Likely benign. Last evaluated: 2024-02-05. Review status: criteria provided, single submitter. Criteria: ACMG Guidelines, 2015. Collection method: clinical testing. Allele origin: germline.

Quest Diagnostics Nichols Institute San Juan Capistrano
Classification: Likely benign. Last evaluated: 2023-02-08. Review status: criteria provided, single submitter. Criteria: Quest Diagnostics criteria. Collection method: clinical testing. Allele origin: unknown.

GeneDx
Classification: Likely benign. Last evaluated: 2020-10-16. Review status: criteria provided, single submitter. Criteria: GeneDx Variant Classification Process June 2021. Collection method: clinical testing. Allele origin: germline. Affected: yes.

Women's Health and Genetics/Laboratory Corporation of America, LabCorp
Classification: Likely benign. Last evaluated: 2019-08-29. Review status: criteria provided, single submitter. Criteria: LabCorp Variant Classification Summary - May 2015. Collection method: clinical testing. Allele origin: germline.

Ambry Genetics
Classification: Likely benign for Hereditary cancer-predisposing syndrome. Last evaluated: 2015-01-13. Review status: criteria provided, single submitter. Criteria: Ambry Variant Classification Scheme 2023. Collection method: clinical testing. Allele origin: germline.

PreventionGenetics, part of Exact Sciences
Classification: Likely benign for NBN-related condition. Last evaluated: 2021-11-15. Review status: no assertion criteria provided. Collection method: clinical testing. Allele origin: germline. Not counted in ClinVar's aggregate classification.
Comment: This variant is classified as likely benign based on ACMG/AMP sequence variant interpretation guidelines (Richards et al. 2015 PMID: 25741868, with internal and published modifications).

Department of Pathology and Laboratory Medicine, Sinai Health System
Classification: Likely benign for Malignant tumor of breast. Review status: no assertion criteria provided. Collection method: clinical testing. Allele origin: unknown. Affected: yes. Study: The Canadian Open Genetics Repository (COGR). Not counted in ClinVar's aggregate classification.
Comment: The NBN p.Ile310= variant was not identified in the literature nor was it identified in the LOVD 3.0 database. The variant was identified in dbSNP (ID: rs142813526) as "With Likely benign, Uncertain significance allele" and ClinVar (classified as likely benign by Invitae, Ambry Genetics, GeneDx and Color; and as uncertain significance by Integrated Genetics/Laboratory Corporation of America). The variant was identified in control databases in 10 of 246000 chromosomes at a frequency of 0.00004 (Genome Aggregation Database Feb 27, 2017). The variant was observed in the following populations: Latino in 2 of 33558 chromosomes (freq: 0.00006) and European in 8 of 111522 chromosomes (freq: 0.00007); it was not observed in the African, Other, Ashkenazi Jewish, East Asian, Finnish, or South Asian populations. The p.Ile310= variant is not expected to have clinical significance because it does not result in a change of amino acid and is not located in a known consensus splice site. In addition, in silico or computational prediction software programs (SpliceSiteFinder, MaxEntScan, NNSPLICE, GeneSplicer) do not predict a difference in splicing. In summary, based on the above information, the clinical significance of this variant cannot be determined with certainty at this time, although we would lean towards a more benign role for this variant. This variant is classified as likely benign.

Literature cited by the submitters: PubMed 17894553 (cited by Quest Diagnostics Nichols Institute San Juan Capistrano).